The following is an entry in ClinVar:

ClinVar aggregate classification (germline): Uncertain significance (1 of 4 stars; one submission).

Conditions:
Primary ciliary dyskinesia. Also called: Ciliary dyskinesia. Identifiers: Orphanet 244, MedGen C0008780, MONDO:0016575, HP:0012265.

Allele frequency attached by ClinVar (database versions not stated): gnomAD exomes 0.00002 and 0.00004; ExAC 0.00004; gnomAD 0.00004 and 0.00006; TOPMed 0.00004.
gnomAD v4.1: 40 of 1,614,094 alleles (0.0025%); highest among the groups gnomAD compares: African/African-American, 0.004%; no homozygotes.

Submission:

Labcorp Genetics (formerly Invitae), Labcorp
Classification: Uncertain significance for Primary ciliary dyskinesia. Last evaluated: 2025-07-30. Review status: criteria provided, single submitter. Criteria: Invitae Variant Classification Sherloc (09022015). Collection method: clinical testing. Allele origin: germline.
Comment: This sequence change replaces arginine, which is basic and polar, with glutamine, which is neutral and polar, at codon 431 of the CCDC40 protein (p.Arg431Gln). This variant is present in population databases (rs766914160, gnomAD 0.008%). This variant has not been reported in the literature in individuals affected with CCDC40-related conditions. ClinVar contains an entry for this variant (Variation ID: 640941). Invitae Evidence Modeling of protein sequence and biophysical properties (such as structural, functional, and spatial information, amino acid conservation, physicochemical variation, residue mobility, and thermodynamic stability) indicates that this missense variant is not expected to disrupt CCDC40 protein function with a negative predictive value of 80%. In summary, the available evidence is currently insufficient to determine the role of this variant in disease. Therefore, it has been classified as a Variant of Uncertain Significance.

NM_017950.4(CCDC40):c.1292G>A (p.Arg431Gln)

Gene: CCDC40 (coiled-coil domain 40 molecular ruler complex subunit; plus strand). Cytogenetic location: 17q25.3.
Variant type: single nucleotide variant.
Coding change: c.1292G>A on transcript NM_017950.4 (MANE Select); coding-DNA position 1292, G replaced by A.
Protein change: p.Arg431Gln; replaces arginine 431 with glutamine.
Molecular consequence: missense variant.
Genome position (GRCh38, 1-based): chr17:80,058,626, G>A. VCF-style: chr17-80058626-G-A. GRCh37 (hg19) VCF-style: chr17-78032425-G-A.
Other names: c.1292G>A, p.Arg431Gln (NM_001243342.2, NM_001330508.2); short protein forms R431Q.
Identifiers: ClinVar variation 640941 (VCV000640941.7), dbSNP rs766914160, ClinGen allele CA8813764.